The following is an entry in ClinVar:

NM_001038.6(SCNN1A):c.398G>A (p.Cys133Tyr)

Gene: SCNN1A (sodium channel epithelial 1 subunit alpha; minus strand). Cytogenetic location: 12p13.31.
Variant type: single nucleotide variant.
Coding change: c.398G>A on transcript NM_001038.6 (MANE Select); coding-DNA position 398, G replaced by A.
Protein change: p.Cys133Tyr; replaces cysteine 133 with tyrosine.
Molecular consequence: missense variant.
Genome position (GRCh38, 1-based): chr12:6,374,386, C>T on the plus strand (G>A on the coding strand, the complement: SCNN1A is on the minus strand). VCF-style: chr12-6374386-C-T. GRCh37 (hg19) VCF-style: chr12-6483552-C-T.
Other names: c.467G>A, p.Cys156Tyr (NM_001159575.2); c.575G>A, p.Cys192Tyr (NM_001159576.2); short protein forms C133Y, C156Y, C192Y.
Identifiers: ClinVar variation 2572577 (VCV002572577.1), dbSNP rs2497928868, ClinGen allele CA383559141.

ClinVar aggregate classification (germline): Uncertain significance (1 of 4 stars; one submission).

Conditions:
Pseudohypoaldosteronism, type IB1, autosomal recessive. Also called: Autosomal recessive pseudohypoaldosteronism type 1; Pseudohypoaldosteronism, Type I, Autosomal Recessive; Pseudohypoaldosteronism, Type I, Recessive; PHA I, AUTOSOMAL RECESSIVE. Identifiers: Orphanet 171876, Orphanet 756, MedGen C5774176, MONDO:0009917, OMIM 264350.

Allele frequency attached by ClinVar (database versions not stated): gnomAD exomes below 0.00001.
gnomAD v4.1: 2 of 1,614,174 alleles (0.00012%); highest among the groups gnomAD compares: South Asian, 0.0022%; no homozygotes.

Submission:

3billion
Classification: Uncertain significance for Pseudohypoaldosteronism, type IB1, autosomal recessive. Review status: criteria provided, single submitter. Criteria: ACMG Guidelines, 2015. Collection method: clinical testing. Allele origin: unknown. Affected: yes. Observed: 1 homozygote.
Comment: The homozygous variant is not observed in the gnomAD v2.1.1 dataset. Protein truncation variants are a common disease-causing mechanism. In silico tool predictions suggest damaging effect of the variant on gene or gene product (REVEL: 0.95; 3Cnet: 0.78). The same nucleotide change resulting in the same amino acid change has been previously reported to be associated with SCNN1A-related disorder (PMID: 12376807). However, the evidence of pathogenicity is insufficient at this time. Therefore, this variant is classified as Uncertain significance according to the recommendation of ACMG/AMP guideline.

Literature cited by the submitters: PubMed 12376807.